The following is an entry in ClinVar:

ClinVar aggregate classification (germline): Uncertain significance. Review status: criteria provided, multiple submitters, no conflicts (2 of 4 stars). 2 submissions from 2 submitters: Uncertain significance (2). Last evaluated 2023-05-25.

Conditions:
Hereditary cancer-predisposing syndrome. Also called: Hereditary neoplastic syndrome; Hereditary Cancer Syndrome; Neoplastic Syndromes, Hereditary; Tumor predisposition. Identifiers: Orphanet 140162, MedGen C0027672, MeSH D009386, MONDO:0015356.
Familial adenomatous polyposis 1 (FAP1). Also called: POLYPOSIS, ADENOMATOUS INTESTINAL; FAMILIAL ADENOMATOUS POLYPOSIS 1, ATTENUATED. Identifiers: MedGen C2713442, MONDO:0021056, OMIM 175100. Disease mechanism: loss of function.

Allele frequency attached by ClinVar (database versions not stated): gnomAD 0.00001; TOPMed 0.00001.

Submissions (2):

Ambry Genetics
Classification: Uncertain significance for Hereditary cancer-predisposing syndrome. Last evaluated: 2023-05-25. Review status: criteria provided, single submitter. Criteria: Ambry Variant Classification Scheme 2023. Collection method: clinical testing. Allele origin: germline.
Comment: The c.220+3delA intronic variant, located in intron 2 of the APC gene, results from a deletion of one nucleotide within intron 2 of the APC gene. This nucleotide position is highly conserved in available vertebrate species. In silico splice site analysis for this alteration is inconclusive. Since supporting evidence is limited at this time, the clinical significance of this alteration remains unclear.

Labcorp Genetics (formerly Invitae), Labcorp
Classification: Uncertain significance for Familial adenomatous polyposis 1. Last evaluated: 2023-01-25. Review status: criteria provided, single submitter. Criteria: Invitae Variant Classification Sherloc (09022015). Collection method: clinical testing. Allele origin: germline.
Comment: In summary, the available evidence is currently insufficient to determine the role of this variant in disease. Therefore, it has been classified as a Variant of Uncertain Significance. Variants that disrupt the consensus splice site are a relatively common cause of aberrant splicing (PMID: 17576681, 9536098). Algorithms developed to predict the effect of sequence changes on RNA splicing suggest that this variant may create or strengthen a splice site. This variant has not been reported in the literature in individuals affected with APC-related conditions. This variant is not present in population databases (gnomAD no frequency). This sequence change falls in intron 3 of the APC gene. It does not directly change the encoded amino acid sequence of the APC protein. It affects a nucleotide within the consensus splice site.

Literature cited by the submitters: PubMed 17576681 (cited by Labcorp Genetics (formerly Invitae), Labcorp); PubMed 9536098 (cited by Labcorp Genetics (formerly Invitae), Labcorp).

NM_000038.6(APC):c.220+3del

Gene: APC (APC regulator of Wnt signaling pathway; plus strand). Cytogenetic location: 5q22.2.
Variant type: Deletion.
Coding change: c.220+3del on transcript NM_000038.6 (MANE Select); 3 bases into the intron after coding-DNA position 220, one base deleted (A; older notation c.220+3delA).
Molecular consequence: intron variant.
Genome position (GRCh38, 1-based): chr5:112,766,413, A deleted. VCF-style (leftmost placement, unchanged base first): chr5-112766412-TA-T. GRCh37 (hg19) VCF-style: chr5-112102109-TA-T.
Other names: c.-816+3del (NM_001407470.1, NM_001407472.1, NM_001354906.2 and 1 more transcripts); c.220+3del (NM_001407447.1, NM_001354895.2, NM_001407456.1 and 16 more transcripts); c.250+3del (NM_001407446.1, NM_001354897.2, NM_001354902.2 and 1 more transcripts); c.43+3del (NM_001407453.1, NM_001354900.2, NM_001354901.2 and 1 more transcripts); c.145+3del (NM_001407451.1, NM_001354898.2, NM_001354904.2).
Identifiers: ClinVar variation 2567020 (VCV002567020.5), dbSNP rs1253464661, ClinGen allele CA802051226.
Genomic context (GRCh38, chr5:112,766,412, plus strand): 5'-TATTGAAGATGAAGCTATGGCTTCTTCTGGACAGATTGATTTATTAGAGCGTCTTAAAGG[TA>T]GATTTTAAAAAGGTGTTTTAAAATAATTTTTTAAGCTCAAATTGTCATCTTTAGGTGTGT-3'